The following is an entry in ClinVar:

ClinVar aggregate classification (germline): Uncertain significance (1 of 4 stars; one submission).

Conditions:
Hereditary nonpolyposis colorectal neoplasms. Identifiers: MedGen C0009405, MeSH D003123.

Allele frequency attached by ClinVar (database versions not stated): TOPMed 0.00001.
gnomAD v4.1: 1 of 1,612,444 alleles (0.000062%); highest among the groups gnomAD compares: South Asian, 0.0011%; no homozygotes.

Submission:

Labcorp Genetics (formerly Invitae), Labcorp
Classification: Uncertain significance for Hereditary nonpolyposis colorectal neoplasms. Last evaluated: 2024-12-05. Review status: criteria provided, single submitter. Criteria: Invitae Variant Classification Sherloc (09022015). Collection method: clinical testing. Allele origin: germline.
Comment: This sequence change replaces tyrosine, which is neutral and polar, with aspartic acid, which is acidic and polar, at codon 1044 of the MSH6 protein (p.Tyr1044Asp). This variant is not present in population databases (gnomAD no frequency). This variant has not been reported in the literature in individuals affected with MSH6-related conditions. ClinVar contains an entry for this variant (Variation ID: 1019502). Invitae Evidence Modeling of protein sequence and biophysical properties (such as structural, functional, and spatial information, amino acid conservation, physicochemical variation, residue mobility, and thermodynamic stability) has been performed for this missense variant. However, the output from this modeling did not meet the statistical confidence thresholds required to predict the impact of this variant on MSH6 protein function. In summary, the available evidence is currently insufficient to determine the role of this variant in disease. Therefore, it has been classified as a Variant of Uncertain Significance.

NM_000179.3(MSH6):c.3130T>G (p.Tyr1044Asp)

Gene: MSH6 (mutS homolog 6; plus strand). Cytogenetic location: 2p16.3.
Variant type: single nucleotide variant.
Coding change: c.3130T>G on transcript NM_000179.3 (MANE Select); coding-DNA position 3130, T replaced by G.
Protein change: p.Tyr1044Asp; replaces tyrosine 1044 with aspartic acid.
Molecular consequence: missense variant.
Genome position (GRCh38, 1-based): chr2:47,801,113, T>G. VCF-style: chr2-47801113-T-G. GRCh37 (hg19) VCF-style: chr2-48028252-T-G.
Other names: c.2740T>G, p.Tyr914Asp (NM_001281492.2); c.2224T>G, p.Tyr742Asp (NM_001281493.2, NM_001281494.2); short protein forms Y1044D, Y742D, Y914D.
Identifiers: ClinVar variation 1019502 (VCV001019502.7), dbSNP rs1346694568, ClinGen allele CA346756663.
Genomic context (GRCh38, chr2:47,801,113, plus strand): 5'-CGGAGGGATGTATCATTGAAGGACTGCATGCGGCGACTGTTCTATAACTTTGATAAAAAT[T>G]ACAAGGACTGGCAGTCTGCTGTAGAGTGTATCGCAGTGTTGGGTAAGACTTTGAACAAGC-3'
Protein context (NP_000170.1, residues 1034-1054): RRLFYNFDKN[Tyr1044Asp]KDWQSAVECI